The following is an entry in ClinVar:

NM_001909.5(CTSD):c.153C>T (p.Pro51=)

Genes: CTSD (cathepsin D; minus strand), PRADX (PRC2 and DDX5 associated lncRNA; plus strand). Cytogenetic location: 11p15.5.
Variant type: single nucleotide variant.
Coding change: c.153C>T on transcript NM_001909.5 (MANE Select); coding-DNA position 153, C replaced by T.
Protein change: p.Pro51=; no amino-acid change (proline 51 retained).
Molecular consequence: synonymous variant.
Genome position (GRCh38, 1-based): chr11:1,761,384, G>A on the plus strand (C>T on the coding strand, the complement: CTSD is on the minus strand). VCF-style: chr11-1761384-G-A. GRCh37 (hg19) VCF-style: chr11-1782614-G-A.
Other names: p.P51P:CCC>CCT.
Identifiers: ClinVar variation 137047 (VCV000137047.15), dbSNP rs560041488, ClinGen allele CA290535.
Genomic context (GRCh38, chr11:1,761,384, plus strand): 5'-GAGCACCTCGGGAATGGGCCCCTCGGTCACGGCTGGCACCGCCTGGGAGTACTTTGAGAC[G>A]GGGCCTTTGGCAATCAGGTCCTCCACAGAGCCCCCAACCTCCGACATGGTCCGGCGGATG-3'
Protein context (NP_001900.1, residues 41-61): GSVEDLIAKG[Pro51=]VSKYSQAVPA

ClinVar aggregate classification (germline): Benign/Likely benign. Review status: criteria provided, multiple submitters, no conflicts (2 of 4 stars). 5 submissions from 5 submitters: Benign (1); Likely benign (4). Last evaluated 2026-01-26.

Conditions:
Inborn genetic diseases. Identifiers: MedGen C0950123, MeSH D030342.
Neuronal ceroid lipofuscinosis. Also called: Neuronal Ceroid Lipofuscinoses. Identifiers: Orphanet 216, Orphanet 79263, MedGen C0027877, MONDO:0016295. Disease mechanism: loss of function.
Neuronal ceroid lipofuscinosis 10 (CLN10). Also called: NEURONAL CEROID LIPOFUSCINOSIS DUE TO CATHEPSIN D DEFICIENCY; CTSD-Related Neuronal Ceroid-Lipofuscinosis. Identifiers: Orphanet 228337, MedGen C1864669, MONDO:0012414, OMIM 610127.

Allele frequency attached by ClinVar (database versions not stated): TOPMed 0.00005; gnomAD 0.00006; ExAC 0.00017; gnomAD exomes 0.00020.
gnomAD v4.1: 152 of 1,613,634 alleles (0.0094%); highest among the groups gnomAD compares: South Asian, 0.13%; no homozygotes.

Submissions (5):

Labcorp Genetics (formerly Invitae), Labcorp
Classification: Likely benign for Neuronal ceroid lipofuscinosis. Last evaluated: 2026-01-26. Review status: criteria provided, single submitter. Criteria: Invitae Variant Classification Sherloc (09022015). Collection method: clinical testing. Allele origin: germline.

Blueprint Genetics
Classification: Likely benign. Last evaluated: 2023-02-03. Review status: criteria provided, single submitter. Criteria: ACMG Guidelines, 2015. Collection method: clinical testing. Allele origin: germline.

Fulgent Genetics
Classification: Likely benign for Neuronal ceroid lipofuscinosis 10. Last evaluated: 2022-04-29. Review status: criteria provided, single submitter. Criteria: ACMG Guidelines, 2015. Collection method: clinical testing. Allele origin: unknown.

Ambry Genetics
Classification: Likely benign for Inborn genetic diseases. Last evaluated: 2017-03-08. Review status: criteria provided, single submitter. Criteria: Ambry Variant Classification Scheme 2023. Collection method: clinical testing. Allele origin: germline.

GeneDx
Classification: Benign. Last evaluated: 2014-03-19. Review status: criteria provided, single submitter. Criteria: GeneDx Variant Classification (06012015). Collection method: clinical testing. Allele origin: germline. Affected: yes.
Comment: This variant is considered likely benign or benign based on one or more of the following criteria: it is a conservative change, it occurs at a poorly conserved position in the protein, it is predicted to be benign by multiple in silico algorithms, and/or has population frequency not consistent with disease.